The following is an entry in ClinVar:

NM_000051.4(ATM):c.449T>G (p.Leu150Arg)

Gene: ATM (ATM serine/threonine kinase; plus strand). Cytogenetic location: 11q22.3.
Variant type: single nucleotide variant.
Coding change: c.449T>G on transcript NM_000051.4 (MANE Select); coding-DNA position 449, T replaced by G.
Protein change: p.Leu150Arg; replaces leucine 150 with arginine.
Molecular consequence: missense variant.
Genome position (GRCh38, 1-based): chr11:108,235,787, T>G. VCF-style: chr11-108235787-T-G. GRCh37 (hg19) VCF-style: chr11-108106514-T-G.
Other names: c.449T>G, p.Leu150Arg (NM_001351834.2); short protein forms L150R.
Identifiers: ClinVar variation 3720429 (VCV003720429.2).

ClinVar aggregate classification (germline): Uncertain significance (1 of 4 stars; one submission).

Conditions:
Ataxia-telangiectasia syndrome (AT). Also called: ATAXIA-TELANGIECTASIA, COMPLEMENTATION GROUP A; ATAXIA-TELANGIECTASIA, FRESNO VARIANT; Ataxia-telangiectasia; Ataxia-telangiectasia, complementation group E; Ataxia telangiectasia (A-T); LOUIS-BAR SYNDROME. Identifiers: Orphanet 100, MedGen C0004135, MONDO:0008840, OMIM 208900.

Submission:

Labcorp Genetics (formerly Invitae), Labcorp
Classification: Uncertain significance for Ataxia-telangiectasia syndrome. Last evaluated: 2024-12-18. Review status: criteria provided, single submitter. Criteria: Invitae Variant Classification Sherloc (09022015). Collection method: clinical testing. Allele origin: germline.
Comment: This sequence change replaces leucine, which is neutral and non-polar, with arginine, which is basic and polar, at codon 150 of the ATM protein (p.Leu150Arg). This variant is not present in population databases (gnomAD no frequency). This variant has not been reported in the literature in individuals affected with ATM-related conditions. Invitae Evidence Modeling of protein sequence and biophysical properties (such as structural, functional, and spatial information, amino acid conservation, physicochemical variation, residue mobility, and thermodynamic stability) has been performed for this missense variant. However, the output from this modeling did not meet the statistical confidence thresholds required to predict the impact of this variant on ATM protein function. In summary, the available evidence is currently insufficient to determine the role of this variant in disease. Therefore, it has been classified as a Variant of Uncertain Significance.